The following is an entry in ClinVar:

ClinVar aggregate classification (germline): Uncertain significance (1 of 4 stars; one submission).

gnomAD v4.1: 4 of 1,612,578 alleles (0.00025%); highest among the groups gnomAD compares: South Asian, 0.0033%; no homozygotes.

Submission:

Labcorp Genetics (formerly Invitae), Labcorp
Classification: Uncertain significance. Last evaluated: 2024-05-18. Review status: criteria provided, single submitter. Criteria: Invitae Variant Classification Sherloc (09022015). Collection method: clinical testing. Allele origin: germline.
Comment: This sequence change replaces arginine, which is basic and polar, with cysteine, which is neutral and slightly polar, at codon 28 of the CTF1 protein (p.Arg28Cys). This variant is present in population databases (rs767711958, gnomAD 0.01%). This variant has not been reported in the literature in individuals affected with CTF1-related conditions. An algorithm developed to predict the effect of missense changes on protein structure and function (PolyPhen-2) suggests that this variant is likely to be disruptive. Algorithms developed to predict the effect of sequence changes on RNA splicing suggest that this variant may disrupt the consensus splice site. In summary, the available evidence is currently insufficient to determine the role of this variant in disease. Therefore, it has been classified as a Variant of Uncertain Significance.

NM_001330.5(CTF1):c.82C>T (p.Arg28Cys)

Gene: CTF1 (cardiotrophin 1; plus strand). Cytogenetic location: 16p11.2.
Variant type: single nucleotide variant.
Coding change: c.82C>T on transcript NM_001330.5 (MANE Select); coding-DNA position 82, C replaced by T.
Protein change: p.Arg28Cys; replaces arginine 28 with cysteine.
Molecular consequence: missense variant. On other transcripts: non-coding transcript variant (1).
Genome position (GRCh38, 1-based): chr16:30,899,471, C>T. VCF-style: chr16-30899471-C-T. GRCh37 (hg19) VCF-style: chr16-30910792-C-T.
Other names: c.79C>T, p.Arg27Cys (NM_001142544.3); short protein forms R27C, R28C.
Identifiers: ClinVar variation 3705908 (VCV003705908.2).